The following is an entry in ClinVar:

ClinVar aggregate classification (germline): Uncertain significance (1 of 4 stars; one submission).

Conditions:
Emery-Dreifuss muscular dystrophy 5, autosomal dominant (EDMD5). Also called: EMERY-DREIFUSS MUSCULAR DYSTROPHY 5. Identifiers: Orphanet 261, MedGen C2751805, MONDO:0013072, OMIM 612999.

gnomAD v4.1: 1 of 1,613,868 alleles (0.000062%); highest among the groups gnomAD compares: Non-Finnish European, 0.000085%; no homozygotes.

Submission:

Labcorp Genetics (formerly Invitae), Labcorp
Classification: Uncertain significance for Emery-Dreifuss muscular dystrophy 5, autosomal dominant. Last evaluated: 2025-04-29. Review status: criteria provided, single submitter. Criteria: Invitae Variant Classification Sherloc (09022015). Collection method: clinical testing. Allele origin: germline.
Comment: This sequence change replaces aspartic acid, which is acidic and polar, with valine, which is neutral and non-polar, at codon 1823 of the SYNE2 protein (p.Asp1823Val). This variant is not present in population databases (gnomAD no frequency). This variant has not been reported in the literature in individuals affected with SYNE2-related conditions. An algorithm developed to predict the effect of missense changes on protein structure and function (PolyPhen-2) suggests that this variant is likely to be disruptive. In summary, the available evidence is currently insufficient to determine the role of this variant in disease. Therefore, it has been classified as a Variant of Uncertain Significance.

NM_182914.3(SYNE2):c.5468A>T (p.Asp1823Val)

Gene: SYNE2 (spectrin repeat containing nuclear envelope protein 2; plus strand). Cytogenetic location: 14q23.2.
Variant type: single nucleotide variant.
Coding change: c.5468A>T on transcript NM_182914.3 (MANE Select); coding-DNA position 5468, A replaced by T.
Protein change: p.Asp1823Val; replaces aspartic acid 1823 with valine.
Molecular consequence: missense variant.
Genome position (GRCh38, 1-based): chr14:64,021,972, A>T. VCF-style: chr14-64021972-A-T. GRCh37 (hg19) VCF-style: chr14-64488690-A-T.
Other names: c.5468A>T, p.Asp1823Val (NM_015180.6); short protein forms D1823V.
Identifiers: ClinVar variation 4781328 (VCV004781328.1).
Genomic context (GRCh38, chr14:64,021,972, plus strand): 5'-AAATAGGTTGTCTGACTCCTGAACTCTCTGAATTGAAAAAGCAATATGAAAGTGTCAGTG[A>T]TTTATTTAATACCAAAAAAAGTGTTTTGCAAGATCACTTTTCTAAGTTATTGAATGGTGA-3'
Protein context (NP_878918.2, residues 1813-1833): ELKKQYESVS[Asp1823Val]LFNTKKSVLQ